The following is an entry in ClinVar:

NM_001142800.2(EYS):c.1655A>T (p.Tyr552Phe)

Gene: EYS (eyes shut homolog; minus strand). Cytogenetic location: 6q12.
Variant type: single nucleotide variant.
Coding change: c.1655A>T on transcript NM_001142800.2 (MANE Select); coding-DNA position 1655, A replaced by T.
Protein change: p.Tyr552Phe; replaces tyrosine 552 with phenylalanine.
Molecular consequence: missense variant.
Genome position (GRCh38, 1-based): chr6:65,335,091, T>A on the plus strand (A>T on the coding strand, the complement: EYS is on the minus strand). VCF-style: chr6-65335091-T-A. GRCh37 (hg19) VCF-style: chr6-66044984-T-A.
Other names: c.1655A>T, p.Tyr552Phe (NM_001142801.2, NM_001292009.2, NM_198283.2); short protein forms Y552F.
Identifiers: ClinVar variation 1007464 (VCV001007464.3), dbSNP rs369437226, ClinGen allele CA3877653.

ClinVar aggregate classification (germline): Uncertain significance. Review status: criteria provided, single submitter (1 of 4 stars). 2 submissions from 2 submitters: Uncertain significance (1). 1 of the submissions does not count toward it. Last evaluated 2022-06-20.

Conditions:
Retinitis pigmentosa 25 (RP25). Identifiers: Orphanet 791, MedGen C1864446, MONDO:0011272, OMIM 602772.

Allele frequency attached by ClinVar (database versions not stated): TOPMed below 0.00001; gnomAD exomes 0.00001; ExAC 0.00002; ESP Exome Variant Server 0.00008.
gnomAD v4.1: 58 of 1,612,136 alleles (0.0036%); highest among the groups gnomAD compares: Non-Finnish European, 0.0048%; no homozygotes.

Submissions (2):

Labcorp Genetics (formerly Invitae), Labcorp
Classification: Uncertain significance. Last evaluated: 2022-06-20. Review status: criteria provided, single submitter. Criteria: Invitae Variant Classification Sherloc (09022015). Collection method: clinical testing. Allele origin: germline.
Comment: This sequence change replaces tyrosine, which is neutral and polar, with phenylalanine, which is neutral and non-polar, at codon 552 of the EYS protein (p.Tyr552Phe). This variant is present in population databases (rs369437226, gnomAD 0.002%). This variant has not been reported in the literature in individuals affected with EYS-related conditions. ClinVar contains an entry for this variant (Variation ID: 1007464). Algorithms developed to predict the effect of missense changes on protein structure and function (SIFT, PolyPhen-2, Align-GVGD) all suggest that this variant is likely to be tolerated. Algorithms developed to predict the effect of sequence changes on RNA splicing suggest that this variant may create or strengthen a splice site. In summary, the available evidence is currently insufficient to determine the role of this variant in disease. Therefore, it has been classified as a Variant of Uncertain Significance.

Natera, Inc.
Classification: Uncertain significance for Retinitis pigmentosa type 25. Last evaluated: 2020-08-11. Review status: no assertion criteria provided. Collection method: clinical testing. Allele origin: germline. Not counted in ClinVar's aggregate classification.